The following is an entry in ClinVar:

NM_021830.5(TWNK):c.413A>C (p.Glu138Ala)

Gene: TWNK (twinkle mtDNA helicase; plus strand). Cytogenetic location: 10q24.31.
Variant type: single nucleotide variant.
Coding change: c.413A>C on transcript NM_021830.5 (MANE Select); coding-DNA position 413, A replaced by C.
Protein change: p.Glu138Ala; replaces glutamic acid 138 with alanine.
Molecular consequence: missense variant. On other transcripts: non-coding transcript variant (4), intron variant (3).
Genome position (GRCh38, 1-based): chr10:100,988,623, A>C. VCF-style: chr10-100988623-A-C. GRCh37 (hg19) VCF-style: chr10-102748380-A-C.
Other names: c.413A>C, p.Glu138Ala (NM_001163812.2); c.-120+1010A>C (NM_001163814.2, NM_001163813.2); c.-58+1010A>C (NM_001368275.1); short protein forms E138A.
Identifiers: ClinVar variation 2498468 (VCV002498468.31), dbSNP rs1851656980, ClinGen allele CA378207316.
Genomic context (GRCh38, chr10:100,988,623, plus strand): 5'-CAGAAGGGAGCTGGGAAGACTTCCAGGCCAGCGTGGAGGGGCGAGGGGATGGGGCCAGGG[A>C]GGGGTTTCTGCTTAGCAAGGCACCAGAATTTGAGGACAGCGAGGAGGTCCGGAGGATCTG-3'
Protein context (NP_068602.2, residues 128-148): SVEGRGDGAR[Glu138Ala]GFLLSKAPEF

ClinVar aggregate classification (germline): Uncertain significance. Review status: criteria provided, multiple submitters, no conflicts (2 of 4 stars). 2 submissions from 2 submitters: Uncertain significance (2). Last evaluated 2023-12-05.

Allele frequency attached by ClinVar (database versions not stated): TOPMed below 0.00001; gnomAD exomes 0.00001.

Submissions (2):

Labcorp Genetics (formerly Invitae), Labcorp
Classification: Uncertain significance. Last evaluated: 2023-12-05. Review status: criteria provided, single submitter. Criteria: Invitae Variant Classification Sherloc (09022015). Collection method: clinical testing. Allele origin: germline.
Comment: This sequence change replaces glutamic acid, which is acidic and polar, with alanine, which is neutral and non-polar, at codon 138 of the TWNK protein (p.Glu138Ala). This variant is not present in population databases (gnomAD no frequency). This variant has not been reported in the literature in individuals affected with TWNK-related conditions. ClinVar contains an entry for this variant (Variation ID: 2498468). Advanced modeling of protein sequence and biophysical properties (such as structural, functional, and spatial information, amino acid conservation, physicochemical variation, residue mobility, and thermodynamic stability) performed at Invitae indicates that this missense variant is not expected to disrupt TWNK protein function with a negative predictive value of 95%. In summary, the available evidence is currently insufficient to determine the role of this variant in disease. Therefore, it has been classified as a Variant of Uncertain Significance.

CeGaT Center for Human Genetics Tuebingen
Classification: Uncertain significance. Last evaluated: 2023-03-01. Review status: criteria provided, single submitter. Criteria: CeGaT Center For Human Genetics Tuebingen Variant Classification Criteria Version 2. Collection method: clinical testing. Allele origin: germline. Affected: yes. Observed: 1 variant allele.
Comment: TWNK: PM2, PP3